The following is an entry in ClinVar:

NM_002234.4(KCNA5):c.1493C>T (p.Ser498Leu)

Gene: KCNA5 (potassium voltage-gated channel subfamily A member 5; plus strand). Cytogenetic location: 12p13.32.
Variant type: single nucleotide variant.
Coding change: c.1493C>T on transcript NM_002234.4 (MANE Select); coding-DNA position 1493, C replaced by T.
Protein change: p.Ser498Leu; replaces serine 498 with leucine.
Molecular consequence: missense variant.
Genome position (GRCh38, 1-based): chr12:5,045,640, C>T. VCF-style: chr12-5045640-C-T. GRCh37 (hg19) VCF-style: chr12-5154806-C-T.
Other names: c.1493C>T (NM_002234.3); short protein forms S498L.
Identifiers: ClinVar variation 1055873 (VCV001055873.10), dbSNP rs145163163, ClinGen allele CA6399878.
Genomic context (GRCh38, chr12:5,045,640, plus strand): 5'-TGACCACTGTGGGCTACGGGGACATGAGGCCCATCACTGTTGGGGGCAAGATCGTGGGCT[C>T]GCTGTGTGCCATCGCCGGGGTCCTCACCATTGCCCTGCCTGTGCCCGTCATCGTCTCCAA-3'
Protein context (NP_002225.2, residues 488-508): PITVGGKIVG[Ser498Leu]LCAIAGVLTI

ClinVar aggregate classification (germline): Uncertain significance. Review status: criteria provided, multiple submitters, no conflicts (2 of 4 stars). 3 submissions from 3 submitters: Uncertain significance (3). Last evaluated 2025-10-14.

Conditions:
KCNA5-related disorder. Also called: KCNA5-related condition.
Atrial fibrillation, familial, 7 (ATFB7). Identifiers: MedGen C2677106, MONDO:0012828, OMIM 612240.

Allele frequency attached by ClinVar (database versions not stated): ExAC 0.00004; gnomAD exomes 0.00004; TOPMed 0.00004; gnomAD 0.00005 and 0.00006; 1000 Genomes Project 30x 0.00016; 1000 Genomes Project 0.00020; ESP Exome Variant Server 0.00031.
gnomAD v4.1: 70 of 1,614,188 alleles (0.0043%); highest among the groups gnomAD compares: Middle Eastern, 0.016%; no homozygotes.

Submissions (3):

Labcorp Genetics (formerly Invitae), Labcorp
Classification: Uncertain significance for Atrial fibrillation, familial, 7. Last evaluated: 2025-10-14. Review status: criteria provided, single submitter. Criteria: Invitae Variant Classification Sherloc (09022015). Collection method: clinical testing. Allele origin: germline.
Comment: This sequence change replaces serine, which is neutral and polar, with leucine, which is neutral and non-polar, at codon 498 of the KCNA5 protein (p.Ser498Leu). This variant is present in population databases (rs145163163, gnomAD 0.008%). This variant has not been reported in the literature in individuals affected with KCNA5-related conditions. ClinVar contains an entry for this variant (Variation ID: 1055873). Invitae Evidence Modeling of protein sequence and biophysical properties (such as structural, functional, and spatial information, amino acid conservation, physicochemical variation, residue mobility, and thermodynamic stability) indicates that this missense variant is expected to disrupt KCNA5 protein function with a positive predictive value of 80%. In summary, the available evidence is currently insufficient to determine the role of this variant in disease. Therefore, it has been classified as a Variant of Uncertain Significance.

PreventionGenetics, part of Exact Sciences
Classification: Uncertain significance for KCNA5-related condition. Last evaluated: 2023-04-19. Review status: criteria provided, single submitter. Criteria: ACMG Guidelines, 2015. Collection method: clinical testing. Allele origin: germline.
Comment: The KCNA5 c.1493C>T variant is predicted to result in the amino acid substitution p.Ser498Leu. To our knowledge, this variant has not been reported in the literature. This variant is reported in 0.016% of alleles in individuals of African descent in gnomAD. At this time, the clinical significance of this variant is uncertain due to the absence of conclusive functional and genetic evidence.

GeneDx
Classification: Uncertain significance. Last evaluated: 2022-06-22. Review status: criteria provided, single submitter. Criteria: GeneDx Variant Classification Process June 2021. Collection method: clinical testing. Allele origin: germline. Affected: yes.
Comment: In silico analysis supports that this missense variant has a deleterious effect on protein structure/function; Has not been previously published as pathogenic or benign to our knowledge